The following is an entry in ClinVar:

ClinVar aggregate classification (germline): Pathogenic. Review status: reviewed by expert panel (3 of 4 stars). 4 submissions from 4 submitters: Pathogenic (1). 3 of the submissions do not count toward it. Last evaluated 2016-10-18.

Conditions:
Hereditary breast ovarian cancer syndrome. Also called: Hereditary breast and ovarian cancer syndrome (HBOC); Breast and ovarian cancer; Hereditary breast and ovarian cancer syndrome; Hereditary breast and ovarian cancer; BRCA1- and BRCA2-Associated Hereditary Breast and Ovarian Cancer; Hereditary breast and/or ovarian cancer syndrome. Identifiers: Orphanet 145, MedGen C0677776, MeSH D061325, MONDO:0003582. Disease mechanism: loss of function.
Breast-ovarian cancer, familial, susceptibility to, 1 (BROVCA1). Also called: BRCA1 Hereditary Breast and Ovarian Cancer; OVARIAN CANCER, SUSCEPTIBILITY TO. Identifiers: Orphanet 145, MedGen C2676676, MONDO:0011450, OMIM 604370. Disease mechanism: loss of function.
Hereditary cancer-predisposing syndrome. Also called: Hereditary Cancer Syndrome; Neoplastic Syndromes, Hereditary; Hereditary neoplastic syndrome; Tumor predisposition. Identifiers: Orphanet 140162, MedGen C0027672, MeSH D009386, MONDO:0015356.

Allele frequency attached by ClinVar (database versions not stated): gnomAD exomes below 0.00001.
gnomAD v4.1: 1 of 1,613,810 alleles (0.000062%); highest among the groups gnomAD compares: African/African-American, 0.0013%; no homozygotes.

Submissions (4):

Evidence-based Network for the Interpretation of Germline Mutant Alleles (ENIGMA)
Classification: Pathogenic for Breast-ovarian cancer, familial, susceptibility to, 1. Last evaluated: 2016-10-18. Review status: reviewed by expert panel. Criteria: ENIGMA BRCA1/2 Classification Criteria (2015). Collection method: curation. Allele origin: germline.
Comment: Variant allele predicted to encode a truncated non-functional protein.

Ambry Genetics
Classification: Pathogenic for Hereditary cancer-predisposing syndrome. Last evaluated: 2019-07-25. Review status: criteria provided, single submitter. Criteria: Ambry Variant Classification Scheme 2023. Collection method: clinical testing. Allele origin: germline. Not counted in ClinVar's aggregate classification.
Comment: The p.E842* pathogenic mutation (also known as c.2524G>T), located in coding exon 9 of the BRCA1 gene, results from a G to T substitution at nucleotide position 2524. This changes the amino acid from a glutamic acid to a stop codon within coding exon 9. This alteration was identified in a large, worldwide study of BRCA1/2 mutation positive families (Rebbeck TR et al. Hum. Mutat., 2018 05;39:593-620). In addition to the clinical data presented in the literature, this alteration is expected to result in loss of function by premature protein truncation or nonsense-mediated mRNA decay. As such, this alteration is interpreted as a disease-causing mutation.

Consortium of Investigators of Modifiers of BRCA1/2 (CIMBA), c/o University of Cambridge
Classification: Pathogenic for Breast-ovarian cancer, familial, susceptibility to, 1. Last evaluated: 2015-10-02. Review status: criteria provided, single submitter. Criteria: CIMBA Mutation Classification guidelines May 2016. Collection method: clinical testing. Allele origin: germline. Not counted in ClinVar's aggregate classification.

Research Molecular Genetics Laboratory, Women's College Hospital, University of Toronto
Classification: Pathogenic for Hereditary breast ovarian cancer syndrome. Last evaluated: 2014-01-31. Review status: no assertion criteria provided. Collection method: research. Allele origin: germline. Affected: yes. Study: The Canadian Open Genetics Repository (COGR). Not counted in ClinVar's aggregate classification.

Literature cited by the submitters: PubMed 29446198 (cited by Ambry Genetics).

NM_007294.4(BRCA1):c.2524G>T (p.Glu842Ter)

Gene: BRCA1 (BRCA1 DNA repair associated; minus strand). Cytogenetic location: 17q21.31.
Variant type: single nucleotide variant.
Coding change: c.2524G>T on transcript NM_007294.4 (MANE Select); coding-DNA position 2524, G replaced by T.
Protein change: p.Glu842Ter; replaces glutamic acid 842 with a stop codon.
Molecular consequence: nonsense. On other transcripts: intron variant (137).
Genome position (GRCh38, 1-based): chr17:43,093,007, C>A on the plus strand (G>T on the coding strand, the complement: BRCA1 is on the minus strand). VCF-style: chr17-43093007-C-A. GRCh37 (hg19) VCF-style: chr17-41245024-C-A.
Other names: 2643G>T (E842X); c.2311G>T, p.Glu771Ter (NM_001407571.1, NM_001407915.1, NM_001407916.1 and 9 more transcripts); c.2524G>T, p.Glu842Ter (NM_001407581.1, NM_001407582.1, NM_001407583.1 and 30 more transcripts); c.2521G>T, p.Glu841Ter (NM_001407587.1, NM_001407590.1, NM_001407591.1 and 22 more transcripts); c.2446G>T, p.Glu816Ter (NM_001407654.1, NM_001407655.1, NM_001407656.1 and 4 more transcripts); c.2443G>T, p.Glu815Ter (NM_001407659.1, NM_001407660.1, NM_001407661.1 and 1 more transcripts); c.2398G>T, p.Glu800Ter (NM_001407673.1, NM_001407649.1, NM_001407670.1 and 11 more transcripts); c.2401G>T, p.Glu801Ter (NM_001407674.1, NM_001407675.1, NM_001407676.1 and 19 more transcripts); and 42 more; short protein forms E842*, E795*, E546*, E816*, E715*, E754*, E774*, E794*.
Identifiers: ClinVar variation 266273 (VCV000266273.10), dbSNP rs876658552, ClinGen allele CA10589842.